The following is an entry in ClinVar:

ClinVar aggregate classification (germline): Uncertain significance (1 of 4 stars; one submission).

Conditions:
Cerebral cavernous malformations 5. Identifiers: MedGen C5975541, MONDO:0975952, OMIM 621032.

Submission:

Clinical Genomics Laboratory, Washington University in St. Louis
Classification: Uncertain significance for Cerebral cavernous malformations 5. Last evaluated: 2026-05-03. Review status: criteria provided, single submitter. Criteria: ACMG Guidelines, 2015. Collection method: clinical testing. Allele origin: germline.
Comment: A MAP3K3 c.190G>A (p.Val64Met) variant was identified at a near heterozygous allelic fraction of 47.5%, a frequency which may be consistent with it germline origin. This variant, to our knowledge, has not been reported in the medical literature or the ClinVar database. It is absent from the general population (gnomAD v4.1.1), indicating it is not a common variant. Computational predictors are uncertain as to the impact of this variant on MAP3K3 function. Due to limited information, and based on ACMG/AMP guidelines for variant interpretation (Richards S et al., PMID: 25741868), the clinical significance of this variant is uncertain at this time.

NM_002401.5(MAP3K3):c.190G>A (p.Val64Met)

Gene: MAP3K3 (mitogen-activated protein kinase kinase kinase 3; plus strand). Cytogenetic location: 17q23.3.
Variant type: single nucleotide variant.
Coding change: c.190G>A on transcript NM_002401.5 (MANE Select); coding-DNA position 190, G replaced by A.
Protein change: p.Val64Met; replaces valine 64 with methionine.
Molecular consequence: missense variant.
Genome position (GRCh38, 1-based): chr17:63,652,579, G>A. VCF-style: chr17-63652579-G-A. GRCh37 (hg19) VCF-style: chr17-61729939-G-A.
Other names: c.190G>A, p.Val64Met (NM_001330431.2); c.283G>A, p.Val95Met (NM_001363768.2, NM_203351.3); short protein forms V64M, V95M.
Identifiers: ClinVar variation 4974657 (VCV004974657.1).